The following is an entry in ClinVar:

ClinVar aggregate classification (germline): Uncertain significance (0 of 4 stars; one submission).

Conditions:
PCNT-related disorder. Also called: PCNT-related condition.

gnomAD v4.1: 1 of 1,614,146 alleles (0.000062%); highest among the groups gnomAD compares: Non-Finnish European, 0.000085%; no homozygotes.

Submission:

PreventionGenetics, part of Exact Sciences
Classification: Uncertain significance for PCNT-related condition. Last evaluated: 2024-05-10. Review status: no assertion criteria provided. Collection method: clinical testing. Allele origin: germline.
Comment: The PCNT c.210C>G variant is predicted to result in the amino acid substitution p.Cys70Trp. To our knowledge, this variant has not been reported in the literature or in gnomAD, indicating this variant is rare. At this time, the clinical significance of this variant is uncertain due to the absence of conclusive functional and genetic evidence.

NM_006031.6(PCNT):c.210C>G (p.Cys70Trp)

Gene: PCNT (pericentrin; plus strand). Cytogenetic location: 21q22.3.
Variant type: single nucleotide variant.
Coding change: c.210C>G on transcript NM_006031.6 (MANE Select); coding-DNA position 210, C replaced by G.
Protein change: p.Cys70Trp; replaces cysteine 70 with tryptophan.
Molecular consequence: missense variant. On other transcripts: 5 prime UTR variant (1).
Genome position (GRCh38, 1-based): chr21:46,326,532, C>G. VCF-style: chr21-46326532-C-G. GRCh37 (hg19) VCF-style: chr21-47746446-C-G.
Other names: c.-145C>G (NM_001315529.2); short protein forms C70W.
Identifiers: ClinVar variation 3346482 (VCV003346482.1).